The following is an entry in ClinVar:

NM_001940.4(ATN1):c.3400A>C (p.Met1134Leu)

Gene: ATN1 (atrophin 1; plus strand). Cytogenetic location: 12p13.31.
Variant type: single nucleotide variant.
Coding change: c.3400A>C on transcript NM_001940.4 (MANE Select); coding-DNA position 3400, A replaced by C.
Protein change: p.Met1134Leu; replaces methionine 1134 with leucine.
Molecular consequence: missense variant.
Genome position (GRCh38, 1-based): chr12:6,941,415, A>C. VCF-style: chr12-6941415-A-C. GRCh37 (hg19) VCF-style: chr12-7050578-A-C.
Other names: p.Met1134Leu; c.3400A>C, p.Met1134Leu (NM_001007026.2, NM_001424176.1, NM_001424177.1 and 1 more transcripts); c.3397A>C, p.Met1133Leu (NM_001424179.1, NM_001424180.1); c.3379A>C, p.Met1127Leu (NM_001424181.1); c.3376A>C, p.Met1126Leu (NM_001424182.1); short protein forms M1126L, M1127L, M1133L, M1134L.
Identifiers: ClinVar variation 2683185 (VCV002683185.1), dbSNP rs2542647192, ClinGen allele CA383742403.

ClinVar aggregate classification (germline): Uncertain significance (1 of 4 stars; one submission).

Submission:

Mayo Clinic Laboratories, Mayo Clinic
Classification: Uncertain significance. Last evaluated: 2022-07-29. Review status: criteria provided, single submitter. Criteria: ACMG Guidelines, 2015. Collection method: clinical testing. Allele origin: germline. Observed: 1 variant allele.
Comment: BP4, PM2